The following is an entry in ClinVar:

ClinVar aggregate classification (germline): Benign/Likely benign. Review status: criteria provided, multiple submitters, no conflicts (2 of 4 stars). 3 submissions from 3 submitters: Benign (2); Likely benign (1). Last evaluated 2023-04-11.

Conditions:
Pyridoxine-dependent epilepsy (EPEO4). Also called: PYRIDOXINE DEPENDENCY WITH SEIZURES; Pyridoxine-Dependent Seizures; Pyridoxine-Dependent Epilepsy - ALDH7A1; EPILEPSY, EARLY-ONSET, 4, VITAMIN B6-DEPENDENT. Identifiers: Orphanet 3006, MedGen C1849508, MONDO:0009945, OMIM 266100. Disease mechanism: loss of function.

Allele frequency attached by ClinVar (database versions not stated): gnomAD 0.00109 and 0.00100; 1000 Genomes Project 0.00060; TOPMed 0.00113; ExAC 0.00580; 1000 Genomes Project 30x 0.00094; gnomAD exomes 0.00108 and 0.00266.

Submissions (3):

Genome-Nilou Lab
Classification: Benign for Pyridoxine-dependent epilepsy. Last evaluated: 2023-04-11. Review status: criteria provided, single submitter. Criteria: ACMG Guidelines, 2015. Collection method: clinical testing. Allele origin: germline. Affected: no.

Illumina Laboratory Services, Illumina
Classification: Likely benign for Pyridoxine-dependent epilepsy. Last evaluated: 2018-01-12. Review status: criteria provided, single submitter. Criteria: ICSL Variant Classification Criteria 13 December 2019. Collection method: clinical testing. Allele origin: germline.
Comment: This variant was observed in the ICSL laboratory as part of a predisposition screen in an ostensibly healthy population. It had not been previously curated by ICSL or reported in the Human Gene Mutation Database (HGMD: prior to June 1st, 2018), and was therefore a candidate for classification through an automated scoring system. Utilizing variant allele frequency, disease prevalence and penetrance estimates, and inheritance mode, an automated score was calculated to assess if this variant is too frequent to cause the disease. Based on the score and internal cut-off values, a variant classified as likely benign is not then subjected to further curation. The score for this variant resulted in a classification of likely benign for this disease.

GeneDx
Classification: Benign. Last evaluated: 2013-09-27. Review status: criteria provided, single submitter. Criteria: GeneDx Variant Classification (06012015). Collection method: clinical testing. Allele origin: germline. Affected: yes.
Comment: This variant is considered likely benign or benign based on one or more of the following criteria: it is a conservative change, it occurs at a poorly conserved position in the protein, it is predicted to be benign by multiple in silico algorithms, and/or has population frequency not consistent with disease.

NM_001182.4(ALDH7A1):c.-29T>C

Gene: ALDH7A1 (aldehyde dehydrogenase 7 family member A1; minus strand). Cytogenetic location: 5q23.2.
Variant type: single nucleotide variant.
Coding change: c.-29T>C on transcript NM_001182.4; 29 bases upstream of the start codon, T replaced by C.
Genome position (GRCh38, 1-based): chr5:126,595,227, A>G on the plus strand (T>C on the coding strand, the complement: ALDH7A1 is on the minus strand). VCF-style: chr5-126595227-A-G. GRCh37 (hg19) VCF-style: chr5-125930919-A-G.
Identifiers: ClinVar variation 136378 (VCV000136378.7), dbSNP rs556650006, ClinGen allele CA289418.